The following is an entry in ClinVar:

ClinVar aggregate classification (germline): Uncertain significance. Review status: criteria provided, single submitter (1 of 4 stars). 2 submissions from 2 submitters: Uncertain significance (1). 1 of the submissions does not count toward it. Last evaluated 2021-09-09.

Conditions:
Fanconi anemia complementation group C (FANCC). Also called: FANCONI PANCYTOPENIA, TYPE 3; FACC; Fanconi anemia, group C; FANCC-Related Fanconi Anemia. Identifiers: Orphanet 84, MedGen C3468041, MONDO:0009213, OMIM 227645.
Hereditary cancer-predisposing syndrome. Also called: Hereditary neoplastic syndrome; Neoplastic Syndromes, Hereditary; Tumor predisposition; Hereditary Cancer Syndrome. Identifiers: Orphanet 140162, MedGen C0027672, MeSH D009386, MONDO:0015356.

Submissions (2):

Ambry Genetics
Classification: Uncertain significance for Hereditary cancer-predisposing syndrome. Last evaluated: 2021-09-09. Review status: criteria provided, single submitter. Criteria: Ambry Variant Classification Scheme 2023. Collection method: clinical testing. Allele origin: germline.
Comment: The c.1670_1674dupAAGTC variant (also known as p.*559Kext*24), located in coding exon 14 of the FANCC gene, results from a duplication of AAGTC at nucleotide position 1670. This alteration disrupts the stop codon of the FANCC gene and is predicted to preserve the native sequence while resulting in the elongation of the protein by 24 amino acids. The exact functional effect of the additional amino acids is unknown. Since supporting evidence is limited at this time, the clinical significance of this alteration remains unclear.

Counsyl
Classification: Uncertain significance for Fanconi anemia complementation group C. Last evaluated: 2017-06-09. Review status: no assertion criteria provided. Collection method: clinical testing. Allele origin: unknown. Not counted in ClinVar's aggregate classification.

NM_000136.3(FANCC):c.1670_1674dup (p.Ter559LysextTer?)

Genes: FANCC (FA complementation group C; minus strand), AOPEP (aminopeptidase O (putative); plus strand). Cytogenetic location: 9q22.32.
Variant type: Duplication.
Coding change: c.1670_1674dup on transcript NM_000136.3 (MANE Select); coding-DNA positions 1670 to 1674, 5 bases duplicated (AAGTC; older notation c.1670_1674dupAAGTC).
Protein change: p.Ter559LysextTer?.
Molecular consequence: frameshift variant, stop lost.
Genome position (GRCh38, 1-based): chr9:95,101,710-95,101,714, GACTT duplicated on the plus strand (AAGTC on the coding strand, the reverse complement: FANCC is on the minus strand); duplicating any 5 consecutive bases within chr9:95,101,710-95,101,716 gives the same sequence; the c. name uses the placement nearest the transcript's 3' end. VCF-style (leftmost placement, unchanged base first): chr9-95101709-A-AGACTT. GRCh37 (hg19) VCF-style: chr9-97863991-A-AGACTT.
Other names: c.1670_1674dup, p.Ter559LysextTer? (NM_001243743.2).
Identifiers: ClinVar variation 552446 (VCV000552446.4), dbSNP rs1554827101, ClinGen allele CA658822325.